The following is an entry in ClinVar:

NM_006205.3(PDE6H):c.-73C>A

Gene: PDE6H (phosphodiesterase 6H; plus strand). Cytogenetic location: 12p12.3.
Variant type: single nucleotide variant.
Coding change: c.-73C>A on transcript NM_006205.3 (MANE Select); 73 bases upstream of the start codon, C replaced by A.
Molecular consequence: 5 prime UTR variant.
Genome position (GRCh38, 1-based): chr12:14,973,055, C>A. VCF-style: chr12-14973055-C-A. GRCh37 (hg19) VCF-style: chr12-15125989-C-A.
Identifiers: ClinVar variation 883444 (VCV000883444.4), dbSNP rs188351941, ClinGen allele CA233307187.

ClinVar aggregate classification (germline): Benign (1 of 4 stars; one submission).

Conditions:
Achromatopsia 6. Also called: CONE DYSTROPHY WITH NIGHT BLINDNESS AND SUPERNORMAL ROD RESPONSES, PDE6H-RELATED; RETINAL CONE DYSTROPHY 3A. Identifiers: Orphanet 49382, MedGen C1864900, MONDO:0012398, OMIM 610024.

Allele frequency attached by ClinVar (database versions not stated): gnomAD 0.00525 and 0.00560; 1000 Genomes Project 0.00559; TOPMed 0.00567; 1000 Genomes Project 30x 0.00609.

Submission:

Illumina Laboratory Services, Illumina
Classification: Benign for Achromatopsia 6. Last evaluated: 2018-01-13. Review status: criteria provided, single submitter. Criteria: ICSL Variant Classification Criteria 13 December 2019. Collection method: clinical testing. Allele origin: germline.
Comment: This variant was observed in the ICSL laboratory as part of a predisposition screen in an ostensibly healthy population. It had not been previously curated by ICSL or reported in the Human Gene Mutation Database (HGMD: prior to June 1st, 2018), and was therefore a candidate for classification through an automated scoring system. Utilizing variant allele frequency, disease prevalence and penetrance estimates, and inheritance mode, an automated score was calculated to assess if this variant is too frequent to cause the disease. Based on the score and internal cut-off values, a variant classified as benign is not then subjected to further curation. The score for this variant resulted in a classification of benign for this disease.